The following is an entry in ClinVar:

ClinVar aggregate classification (germline): Pathogenic. Review status: criteria provided, multiple submitters, no conflicts (2 of 4 stars). 2 submissions from 2 submitters: Pathogenic (2). Last evaluated 2023-08-22.

Conditions:
Hereditary cancer-predisposing syndrome. Also called: Neoplastic Syndromes, Hereditary; Tumor predisposition; Hereditary neoplastic syndrome; Hereditary Cancer Syndrome. Identifiers: Orphanet 140162, MedGen C0027672, MeSH D009386, MONDO:0015356.
Lynch syndrome 5 (LYNCH5). Also called: Colorectal cancer, hereditary nonpolyposis, type 5; Hereditary non-polyposis colorectal cancer, type 5. Identifiers: Orphanet 144, MedGen C1833477, MONDO:0013710, OMIM 614350. Disease mechanism: loss of function.

Submissions (2):

Myriad Genetics, Inc.
Classification: Pathogenic for Lynch syndrome 5. Last evaluated: 2023-08-22. Review status: criteria provided, single submitter. Criteria: Myriad Autosomal Dominant, Autosomal Recessive and X-Linked Classification Criteria (2023). Collection method: clinical testing. Allele origin: unknown.
Comment: This variant is considered pathogenic. This variant creates a termination codon and is predicted to result in premature protein truncation.

Ambry Genetics
Classification: Pathogenic for Hereditary cancer-predisposing syndrome. Last evaluated: 2019-06-25. Review status: criteria provided, single submitter. Criteria: Ambry Variant Classification Scheme 2023. Collection method: clinical testing. Allele origin: germline.
Comment: The p.E1121* pathogenic mutation (also known as c.3361G>T), located in coding exon 5 of the MSH6 gene, results from a G to T substitution at nucleotide position 3361. This changes the amino acid from a glutamic acid to a stop codon within coding exon 5. This alteration is expected to result in loss of function by premature protein truncation or nonsense-mediated mRNA decay. As such, this alteration is interpreted as a disease-causing mutation.

NM_000179.3(MSH6):c.3361G>T (p.Glu1121Ter)

Gene: MSH6 (mutS homolog 6; plus strand). Cytogenetic location: 2p16.3.
Variant type: single nucleotide variant.
Coding change: c.3361G>T on transcript NM_000179.3 (MANE Select); coding-DNA position 3361, G replaced by T.
Protein change: p.Glu1121Ter; replaces glutamic acid 1121 with a stop codon.
Molecular consequence: nonsense.
Genome position (GRCh38, 1-based): chr2:47,803,608, G>T. VCF-style: chr2-47803608-G-T. GRCh37 (hg19) VCF-style: chr2-48030747-G-T.
Other names: c.2971G>T, p.Glu991Ter (NM_001281492.2); c.2455G>T, p.Glu819Ter (NM_001281493.2, NM_001281494.2); short protein forms E819*, E991*, E1121*.
Identifiers: ClinVar variation 823665 (VCV000823665.5), dbSNP rs587781609, ClinGen allele CA346758780.